The following is an entry in ClinVar:

ClinVar aggregate classification (germline): Uncertain significance. Review status: criteria provided, multiple submitters, no conflicts (2 of 4 stars). 3 submissions from 3 submitters: Uncertain significance (3). Last evaluated 2023-08-24.

Conditions:
Charcot-Marie-Tooth disease type 4. Also called: Charcot-Marie-Tooth, Type 4; Charcot-Marie-Tooth disease, type IV. Identifiers: Orphanet 64749, MedGen C4082197, MONDO:0018995.
Charcot-Marie-Tooth disease. Also called: Charcot-Marie-Tooth Hereditary Neuropathy; Charcot-Marie-Tooth Neuropathy. Identifiers: Orphanet 166, MedGen C0007959, MONDO:0015626.
Inborn genetic diseases. Identifiers: MedGen C0950123, MeSH D030342.

Allele frequency attached by ClinVar (database versions not stated): gnomAD exomes below 0.00001 and 0.00003; ExAC 0.00002; ESP Exome Variant Server 0.00008; TOPMed 0.00008; gnomAD 0.00011.
gnomAD v4.1: 21 of 1,613,804 alleles (0.0013%); highest among the groups gnomAD compares: African/African-American, 0.028%; no homozygotes.

Submissions (3):

Labcorp Genetics (formerly Invitae), Labcorp
Classification: Uncertain significance for Charcot-Marie-Tooth disease type 4. Last evaluated: 2023-08-24. Review status: criteria provided, single submitter. Criteria: Invitae Variant Classification Sherloc (09022015). Collection method: clinical testing. Allele origin: germline.
Comment: ClinVar contains an entry for this variant (Variation ID: 665415). An algorithm developed to predict the effect of missense changes on protein structure and function (PolyPhen-2) suggests that this variant is likely to be tolerated. In summary, the available evidence is currently insufficient to determine the role of this variant in disease. Therefore, it has been classified as a Variant of Uncertain Significance. This variant has not been reported in the literature in individuals affected with FGD4-related conditions. This sequence change replaces serine, which is neutral and polar, with leucine, which is neutral and non-polar, at codon 32 of the FGD4 protein (p.Ser32Leu). This variant is present in population databases (rs143251785, gnomAD 0.04%).

Ambry Genetics
Classification: Uncertain significance for Inborn genetic diseases. Last evaluated: 2023-03-14. Review status: criteria provided, single submitter. Criteria: Ambry Variant Classification Scheme 2023. Collection method: clinical testing. Allele origin: germline.

Molecular Genetics Laboratory, London Health Sciences Centre
Classification: Uncertain significance for Charcot-Marie-Tooth disease. Review status: criteria provided, single submitter. Criteria: ACMG Guidelines, 2015. Collection method: clinical testing. Allele origin: germline. Affected: yes.

NM_001370298.3(FGD4):c.506C>T (p.Ser169Leu)

Gene: FGD4 (FYVE, RhoGEF and PH domain containing 4; plus strand). Cytogenetic location: 12p11.21.
Variant type: single nucleotide variant.
Coding change: c.506C>T on transcript NM_001370298.3 (MANE Select); coding-DNA position 506, C replaced by T.
Protein change: p.Ser169Leu; replaces serine 169 with leucine.
Molecular consequence: missense variant. On other transcripts: 5 prime UTR variant (5), non-coding transcript variant (1), intron variant (1).
Genome position (GRCh38, 1-based): chr12:32,581,962, C>T. VCF-style: chr12-32581962-C-T. GRCh37 (hg19) VCF-style: chr12-32734896-C-T.
Other names: c.350C>T, p.Ser117Leu (NM_001304481.2); c.-750C>T (NM_001304483.2); c.-1057C>T (NM_001304484.2); c.-185C>T (NM_001330373.2, NM_001330374.2, NM_001384130.1); c.506C>T, p.Ser169Leu (NM_001384126.1); c.95C>T, p.Ser32Leu (NM_001384127.1, NM_001384128.1, NM_001384131.1 and 3 more transcripts); c.49-16535C>T (NM_001370297.1); short protein forms S117L, S32L, S169L.
Identifiers: ClinVar variation 665415 (VCV000665415.12), dbSNP rs143251785, ClinGen allele CA6506591.